The following is an entry in ClinVar:

ClinVar aggregate classification (germline): Benign/Likely benign. Review status: criteria provided, single submitter (1 of 4 stars). 2 submissions from 1 submitter: Benign (1); Likely benign (1). Last evaluated 2018-01-13.

Conditions:
Susceptibility to mononeuropathy of the median nerve, mild. Also called: CARPAL TUNNEL SYNDROME, SUSCEPTIBILITY TO. Identifiers: MedGen C3150596, MONDO:0013237, OMIM 613353.
Charcot-Marie-Tooth disease type 4C (CMT4C). Also called: CHARCOT-MARIE-TOOTH DISEASE, DEMYELINATING, AUTOSOMAL RECESSIVE, TYPE 4C; CMT 4C; Charcot-Marie-Tooth Neuropathy Type 4C (CMT4C); CHARCOT-MARIE-TOOTH DISEASE, DEMYELINATING, TYPE 4C; SH3TC2-Related Hereditary Motor and Sensory Neuropathy. Identifiers: Orphanet 99949, MedGen C1866636, MONDO:0011113, OMIM 601596.

Allele frequency attached by ClinVar (database versions not stated): gnomAD 0.00312 and 0.00336; TOPMed 0.00320; 1000 Genomes Project 0.00399; 1000 Genomes Project 30x 0.00453.
gnomAD v4.1: 471 of 152,238 alleles (0.31%); highest among the groups gnomAD compares: African/African-American, 1.1%; 2 homozygotes.

Submissions (2):

Illumina Laboratory Services, Illumina
Classification: Likely benign for Charcot-Marie-Tooth disease type 4C. Last evaluated: 2018-01-13. Review status: criteria provided, single submitter. Criteria: ICSL Variant Classification Criteria 13 December 2019. Collection method: clinical testing. Allele origin: germline.
Comment: This variant was observed in the ICSL laboratory as part of a predisposition screen in an ostensibly healthy population. It had not been previously curated by ICSL or reported in the Human Gene Mutation Database (HGMD: prior to June 1st, 2018), and was therefore a candidate for classification through an automated scoring system. Utilizing variant allele frequency, disease prevalence and penetrance estimates, and inheritance mode, an automated score was calculated to assess if this variant is too frequent to cause the disease. Based on the score and internal cut-off values, a variant classified as likely benign is not then subjected to further curation. The score for this variant resulted in a classification of likely benign for this disease.

Illumina Laboratory Services, Illumina
Classification: Benign for Susceptibility to mononeuropathy of the median nerve, mild. Last evaluated: 2018-01-13. Review status: criteria provided, single submitter. Criteria: ICSL Variant Classification Criteria 13 December 2019. Collection method: clinical testing. Allele origin: germline.
Comment: This variant was observed in the ICSL laboratory as part of a predisposition screen in an ostensibly healthy population. It had not been previously curated by ICSL or reported in the Human Gene Mutation Database (HGMD: prior to June 1st, 2018), and was therefore a candidate for classification through an automated scoring system. Utilizing variant allele frequency, disease prevalence and penetrance estimates, and inheritance mode, an automated score was calculated to assess if this variant is too frequent to cause the disease. Based on the score and internal cut-off values, a variant classified as benign is not then subjected to further curation. The score for this variant resulted in a classification of benign for this disease.

NM_024577.4(SH3TC2):c.*18606T>G

Gene: SH3TC2 (SH3 domain and tetratricopeptide repeats 2; minus strand). Cytogenetic location: 5q32.
Variant type: single nucleotide variant.
Coding change: c.*18606T>G on transcript NM_024577.4 (MANE Select); 18606 bases downstream of the stop codon, T replaced by G.
Molecular consequence: 3 prime UTR variant.
Genome position (GRCh38, 1-based): chr5:148,986,105, A>C on the plus strand (T>G on the coding strand, the complement: SH3TC2 is on the minus strand). VCF-style: chr5-148986105-A-C. GRCh37 (hg19) VCF-style: chr5-148365668-A-C.
Identifiers: ClinVar variation 351608 (VCV000351608.5), dbSNP rs182775401, ClinGen allele CA10620561.